The following is an entry in ClinVar:

ClinVar aggregate classification (germline): Likely benign. Review status: criteria provided, single submitter (1 of 4 stars). 2 submissions from 2 submitters: Likely benign (1). 1 of the submissions does not count toward it. Last evaluated 2023-06-27.

Conditions:
ATP1A3-related disorder. Also called: ATP1A3-related disorders; ATP1A3-related condition. Identifiers: MedGen CN381097.
Dystonia 12 (DYT12). Also called: DYT-ATP1A3; Rapid-Onset Dystonia-Parkinsonism (RDP). Identifiers: Orphanet 71517, MedGen C1868681, MONDO:0007496, OMIM 128235.

Allele frequency attached by ClinVar (database versions not stated): gnomAD exomes below 0.00001; TOPMed below 0.00001; ExAC 0.00001; gnomAD 0.00001; ESP Exome Variant Server 0.00008.
gnomAD v4.1: 6 of 1,614,084 alleles (0.00037%); highest among the groups gnomAD compares: African/African-American, 0.0013%; no homozygotes.

Submissions (2):

Labcorp Genetics (formerly Invitae), Labcorp
Classification: Likely benign for Dystonia 12. Last evaluated: 2023-06-27. Review status: criteria provided, single submitter. Criteria: Invitae Variant Classification Sherloc (09022015). Collection method: clinical testing. Allele origin: germline.

PreventionGenetics, part of Exact Sciences
Classification: Likely benign for ATP1A3-related condition. Last evaluated: 2021-01-18. Review status: no assertion criteria provided. Collection method: clinical testing. Allele origin: germline. Not counted in ClinVar's aggregate classification.
Comment: This variant is classified as likely benign based on ACMG/AMP sequence variant interpretation guidelines (Richards et al. 2015 PMID: 25741868, with internal and published modifications).

NM_152296.5(ATP1A3):c.93+10G>A

Gene: ATP1A3 (ATPase Na+/K+ transporting subunit alpha 3; minus strand). Cytogenetic location: 19q13.2.
Variant type: single nucleotide variant.
Coding change: c.93+10G>A on transcript NM_152296.5 (MANE Select); 10 bases into the intron after coding-DNA position 93, G replaced by A.
Molecular consequence: intron variant.
Genome position (GRCh38, 1-based): chr19:41,988,466, C>T on the plus strand (G>A on the coding strand, the complement: ATP1A3 is on the minus strand). VCF-style: chr19-41988466-C-T. GRCh37 (hg19) VCF-style: chr19-42492618-C-T.
Other names: c.132+10G>A (NM_001256214.2, NM_001256214.1); c.126+10G>A (NM_001256213.2).
Identifiers: ClinVar variation 1652404 (VCV001652404.10), dbSNP rs377023306, ClinGen allele CA9467969.